The following is an entry in ClinVar:

ClinVar aggregate classification (germline): Uncertain significance (1 of 4 stars; one submission).

Conditions:
Cardiovascular phenotype. Identifiers: MedGen CN230736.

Submission:

Ambry Genetics
Classification: Uncertain significance for Cardiovascular phenotype. Last evaluated: 2025-12-10. Review status: criteria provided, single submitter. Criteria: Ambry Variant Classification Scheme 2023. Collection method: clinical testing. Allele origin: germline.
Comment: The p.L330V variant (also known as c.988C>G), located in coding exon 5 of the RASA1 gene, results from a C to G substitution at nucleotide position 988. The leucine at codon 330 is replaced by valine, an amino acid with highly similar properties. This amino acid position is conserved. In addition, this alteration is predicted to be tolerated by in silico analysis. Based on the available evidence, the clinical significance of this variant remains unclear.

NM_002890.3(RASA1):c.988C>G (p.Leu330Val)

Genes: CCNH (cyclin H; minus strand), RASA1 (RAS p21 protein activator 1; plus strand). Cytogenetic location: 5q14.3.
Variant type: single nucleotide variant.
Coding change: c.988C>G on transcript NM_002890.3 (MANE Select); coding-DNA position 988, C replaced by G.
Protein change: p.Leu330Val; replaces leucine 330 with valine.
Molecular consequence: missense variant. On other transcripts: intron variant (1).
Genome position (GRCh38, 1-based): chr5:87,338,062, C>G. VCF-style: chr5-87338062-C-G. GRCh37 (hg19) VCF-style: chr5-86633879-C-G.
Other names: c.457C>G, p.Leu153Val (NM_022650.3); c.934-25267G>C (NM_001364075.2); short protein forms L330V, L153V.
Identifiers: ClinVar variation 4614815 (VCV004614815.1).